The following is an entry in ClinVar:

ClinVar aggregate classification (germline): Pathogenic/Likely pathogenic. Review status: criteria provided, multiple submitters, no conflicts (2 of 4 stars). 6 submissions from 6 submitters: Pathogenic (1); Likely pathogenic (5). Last evaluated 2026-06-11.

Conditions:
Spastic paraplegia. Identifiers: MedGen C0037772, HP:0001258.
Hereditary spastic paraplegia 35. Also called: LEUKODYSTROPHY, DYSMYELINATING, AND SPASTIC PARAPARESIS WITH OR WITHOUT DYSTONIA; Spastic paraplegia 35, autosomal recessive; Spastic paraplegia 35; SPASTIC PARAPLEGIA 35, AUTOSOMAL RECESSIVE, WITH OR WITHOUT NEURODEGENERATION. Identifiers: Orphanet 171629, MedGen C3496228, MONDO:0012866, OMIM 612319.

Allele frequency attached by ClinVar (database versions not stated): gnomAD exomes 0.00001.
gnomAD v4.1: 8 of 1,574,258 alleles (0.00051%); highest among the groups gnomAD compares: South Asian, 0.0023%; no homozygotes.

Submissions (6):

Women's Health and Genetics/Laboratory Corporation of America, LabCorp
Classification: Likely pathogenic for Hereditary spastic paraplegia 35. Last evaluated: 2026-06-11. Review status: criteria provided, single submitter. Criteria: LabCorp Variant Classification Summary - May 2015. Collection method: clinical testing. Allele origin: germline.
Comment: Variant summary: FA2H c.806G>A (p.Arg269His) results in a non-conservative amino acid change located in the Fatty acid hydroxylase domain (IPR006694) of the encoded protein sequence. Algorithms developed to predict the effect of missense changes on protein structure and function all suggest that this variant is likely to be disruptive. The variant allele was found at a frequency of 1.1e-05 in 177958 control chromosomes. c.806G>A has been observed in individual(s) affected with Hereditary Spastic Paraplegia 35 (Marelli_2015, Cheema_2020, internal_testing, Krenn_2024). These data indicate that the variant is likely to be associated with disease. To our knowledge, no experimental evidence demonstrating an impact on protein function has been reported. The following publications have been ascertained in the context of this evaluation (PMID: 33083013, 38127101, 30713878). These data indicate that the variant is likely to be associated with disease. To our knowledge, no experimental evidence demonstrating an impact on protein function has been reported. ClinVar contains an entry for this variant (Variation ID: 948467). Based on the evidence outlined above, the variant was classified as likely pathogenic.

GeneDx
Classification: Likely pathogenic. Last evaluated: 2024-06-24. Review status: criteria provided, single submitter. Criteria: GeneDx Variant Classification Process June 2021. Collection method: clinical testing. Allele origin: germline. Affected: yes.
Comment: In silico analysis supports that this missense variant has a deleterious effect on protein structure/function; Not observed at significant frequency in large population cohorts (gnomAD); This variant is associated with the following publications: (PMID: 34852264, 31135052, 33083013, 30713878)

Labcorp Genetics (formerly Invitae), Labcorp
Classification: Pathogenic for Spastic paraplegia. Last evaluated: 2022-10-09. Review status: criteria provided, single submitter. Criteria: Invitae Variant Classification Sherloc (09022015). Collection method: clinical testing. Allele origin: germline.
Comment: Advanced modeling of protein sequence and biophysical properties (such as structural, functional, and spatial information, amino acid conservation, physicochemical variation, residue mobility, and thermodynamic stability) performed at Invitae indicates that this missense variant is expected to disrupt FA2H protein function. ClinVar contains an entry for this variant (Variation ID: 948467). This missense change has been observed in individual(s) with hereditary spastic paraplegia (Invitae). In at least one individual the data is consistent with being in trans (on the opposite chromosome) from a pathogenic variant. This variant is present in population databases (no rsID available, gnomAD 0.004%). This sequence change replaces arginine, which is basic and polar, with histidine, which is basic and polar, at codon 269 of the FA2H protein (p.Arg269His). This variant disrupts the p.Arg269 amino acid residue in FA2H. Other variant(s) that disrupt this residue have been observed in individuals with FA2H-related conditions (PMID: 29423566, 31130284), which suggests that this may be a clinically significant amino acid residue. For these reasons, this variant has been classified as Pathogenic.

Institute of Human Genetics Munich, TUM University Hospital
Classification: Likely pathogenic for Hereditary spastic paraplegia 35. Last evaluated: 2022-08-23. Review status: criteria provided, single submitter. Criteria: Classification criteria August 2017. Collection method: clinical testing. Allele origin: germline. Inheritance: Autosomal recessive inheritance. Affected: yes. Observed: 1 variant allele.

Genetic Services Laboratory, University of Chicago
Classification: Likely pathogenic. Last evaluated: 2020-01-29. Review status: criteria provided, single submitter. Criteria: ACMG Guidelines, 2015. Collection method: clinical testing. Allele origin: germline. Affected: yes.
Comment: DNA sequence analysis of the FA2H gene demonstrated a sequence change, c.806G>A, in exon 6 in the homozygous state that results in an amino acid change, p.Arg269His. The p.Arg269His change affects a highly conserved amino acid residue located in a domain of the FA2H protein that is known to be functional. The p.Arg269His substitution appears to be deleterious using several in-silico pathogenicity prediction tools (SIFT, PolyPhen2, Mutation Taster, REVEL). This particular amino acid change does not appear to have been described in the literature in other patients with FA2H related disorders, however, a different sequence change, c.806G>T, affecting the same amino acid residue (p.Arg269Leu) has been described in a patient with spastic paraplegia in the compound heterozygous state (PMID: 24482476). Another sequence change, c.805C>T, affecting the same amino acid residue (p.Arg269Cys) has also been reported in a compound heterozygous state in patients with spastic paraplegia (PMIDs: 30564185, 29423566). This sequence change, c.806G>A, has been described in the gnomAD database with a low population frequency of 0.0011% (dbSNP rs1429546236); however it has not been observed in the homozygous state in any individuals. These collective evidences indicate that this sequence change is likely pathogenic, however functional studies have not been performed to prove this conclusively.

CENTOGENE GmbH and LLC - Guiding Precision Medicine
Classification: Likely pathogenic for Spastic paraplegia type 35. Review status: criteria provided, single submitter. Criteria: ACMG Guidelines, 2015. Collection method: clinical testing. Allele origin: germline. Affected: yes.

Literature cited by the submitters: PubMed 30713878 (cited by Women's Health and Genetics/Laboratory Corporation of America, LabCorp); PubMed 31135052 (cited by Women's Health and Genetics/Laboratory Corporation of America, LabCorp); PubMed 33083013 (cited by Women's Health and Genetics/Laboratory Corporation of America, LabCorp); PubMed 34852264 (cited by Women's Health and Genetics/Laboratory Corporation of America, LabCorp); PubMed 38127101 (cited by Women's Health and Genetics/Laboratory Corporation of America, LabCorp); PubMed 29423566 (cited by Labcorp Genetics (formerly Invitae), Labcorp); PubMed 31130284 (cited by Labcorp Genetics (formerly Invitae), Labcorp).

NM_024306.5(FA2H):c.806G>A (p.Arg269His)

Gene: FA2H (fatty acid 2-hydroxylase; minus strand). Cytogenetic location: 16q23.1.
Variant type: single nucleotide variant.
Coding change: c.806G>A on transcript NM_024306.5 (MANE Select); coding-DNA position 806, G replaced by A.
Protein change: p.Arg269His; replaces arginine 269 with histidine.
Molecular consequence: missense variant.
Genome position (GRCh38, 1-based): chr16:74,716,580, C>T on the plus strand (G>A on the coding strand, the complement: FA2H is on the minus strand). VCF-style: chr16-74716580-C-T. GRCh37 (hg19) VCF-style: chr16-74750478-C-T.
Other names: short protein forms R269H.
Identifiers: ClinVar variation 948467 (VCV000948467.17), dbSNP rs1429546236, ClinGen allele CA396769297.